The following is an entry in ClinVar:

NM_003000.3(SDHB):c.131T>G (p.Ile44Ser)

Gene: SDHB (succinate dehydrogenase complex iron sulfur subunit B; minus strand). Cytogenetic location: 1p36.13.
Variant type: single nucleotide variant.
Coding change: c.131T>G on transcript NM_003000.3 (MANE Select); coding-DNA position 131, T replaced by G.
Protein change: p.Ile44Ser; replaces isoleucine 44 with serine.
Molecular consequence: missense variant.
Genome position (GRCh38, 1-based): chr1:17,044,830, A>C on the plus strand (T>G on the coding strand, the complement: SDHB is on the minus strand). VCF-style: chr1-17044830-A-C. GRCh37 (hg19) VCF-style: chr1-17371325-A-C.
Other names: p.Ile44Ser; c.131T>G, p.Ile44Ser (NM_001407361.1); short protein forms I44S.
Identifiers: ClinVar variation 4871891 (VCV004871891.1).

ClinVar aggregate classification (germline): Uncertain significance (1 of 4 stars; one submission).

Conditions:
Pheochromocytoma/paraganglioma syndrome 4. Also called: CAROTID BODY TUMORS AND MULTIPLE EXTRAADRENAL PHEOCHROMOCYTOMAS; PARAGANGLIOMA, FAMILIAL MALIGNANT; PARAGANGLIOMAS, HEREDITARY EXTRAADRENAL; PHEOCHROMOCYTOMA, FAMILIAL EXTRAADRENAL; Paragangliomas 4; SDHB-Related Hereditary Paraganglioma-Pheochromocytoma Syndrome (Paragangliomas 4). Identifiers: Orphanet 29072, MedGen C1861848, MONDO:0007273, OMIM 115310.

Submission:

Centre for Mendelian Genomics, University Medical Centre Ljubljana
Classification: Uncertain significance for Pheochromocytoma/paraganglioma syndrome 4. Last evaluated: 2026-07-22. Review status: criteria provided, single submitter. Criteria: ACMG Guidelines, 2015. Collection method: clinical testing. Allele origin: germline. Affected: yes. Observed: 1 variant allele.
Comment: The c.131T>G (p.Ile44Ser) variant in SDHB has not previously been reported in association with human disease in the biomedical literature; however, the following lines of evidence favor its pathogenicity. The variant is absent from control populations in gnomAD [PM2]. The identified variant is consistent with the referral clinical presentation [PP4]. In silico pathogenicity prediction algorithms uniformly predict the variant as pathogenic [PP3]. The available evidence in the biomedical literature and databases is currently insufficient to assert whether the identified variant is pathogenic or a benign polymorphism. We therefore classify it as a variant of uncertain significance.